The following is an entry in ClinVar:

NM_003332.4(TYROBP):c.141del (p.Met48fs)

Gene: TYROBP (transmembrane immune signaling adaptor TYROBP; minus strand). Cytogenetic location: 19q13.12.
Variant type: Deletion.
Coding change: c.141del on transcript NM_003332.4 (MANE Select); coding-DNA position 141, one base deleted (G; older notation c.141delG).
Protein change: p.Met48fs; shifts the reading frame from methionine 48.
Molecular consequence: frameshift variant. On other transcripts: non-coding transcript variant (1).
Genome position (GRCh38, 1-based): chr19:35,907,534, C deleted on the plus strand (G on the coding strand, the reverse complement: TYROBP is on the minus strand). VCF-style (leftmost placement, unchanged base first): chr19-35907533-TC-T. GRCh37 (hg19) VCF-style: chr19-36398435-TC-T.
Other names: c.141delG (NM_003332.3); c.108del, p.Met37fs (NM_001173514.2, NM_001173515.2); c.141del, p.Met48fs (NM_198125.3); short protein forms M37fs, M48fs.
Identifiers: ClinVar variation 56395 (VCV000056395.6), dbSNP rs386833840, ClinGen allele CA344730.

ClinVar aggregate classification (germline): Pathogenic. Review status: criteria provided, single submitter (1 of 4 stars). 4 submissions from 4 submitters: Pathogenic (1). 3 of the submissions do not count toward it. Last evaluated 2025-07-21.

Conditions:
Polycystic lipomembranous osteodysplasia with sclerosing leukoencephalopathy 1 (PLOSL1). Also called: TYROBP-Related Polycystic Lipomembranous Osteodysplasia with Sclerosing Leukoencephalopathy. Identifiers: Orphanet 2770, MedGen C4721893, MONDO:0020749, OMIM 221770.

Allele frequency attached by ClinVar (database versions not stated): gnomAD 0.00001; gnomAD exomes 0.00002 and 0.00001; ExAC 0.00002.

Submissions (4):

3billion
Classification: Pathogenic for Polycystic lipomembranous osteodysplasia with sclerosing leukoencephalopathy 1. Last evaluated: 2025-07-21. Review status: criteria provided, single submitter. Criteria: ACMG Guidelines, 2015. Collection method: clinical testing. Allele origin: germline. Affected: yes.
Comment: The variant is observed at an extremely low frequency in the gnomAD v4.1.0 dataset (total allele frequency: <0.001%). Predicted Consequence/Location: Frameshift: predicted to result in a loss or disruption of normal protein function through nonsense-mediated decay (NMD) or protein truncation. Multiple pathogenic variants are reported downstream of the variant. The variant has been reported at least twice as pathogenic without evidence for the classification (ClinVar ID: VCV000056395 /PMID: 10888890 /3billion dataset). Therefore, this variant is classified as Pathogenic according to the recommendation of ACMG/AMP guideline.

OMIM
Classification: Pathogenic for POLYCYSTIC LIPOMEMBRANOUS OSTEODYSPLASIA WITH SCLEROSING LEUKOENCEPHALOPATHY 1. Last evaluated: 2002-10-08. Review status: no assertion criteria provided. Collection method: literature only. Allele origin: germline. Not counted in ClinVar's aggregate classification.

GeneReviews
No classification provided. Condition: Polycystic lipomembranous osteodysplasia with sclerosing leukoencephalopathy 1. Review status: no classification provided. Collection method: literature only. Allele origin: germline. Affected: yes. Not counted in ClinVar's aggregate classification.

Juha Muilu Group; Institute for Molecular Medicine Finland (FIMM)
Classification: Likely pathogenic for Polycystic lipomembranous osteodysplasia with sclerosing leukoencephalopathy. Review status: no assertion criteria provided. Collection method: not provided. Allele origin: unknown. Not counted in ClinVar's aggregate classification.
Comment: FinDis database variant: FinDis database variant: This variant was not found or characterized by our laboratory, data were collected from public sources: see reference
ClinVar note: Converted during submission from probable-pathogenic to Likely pathogenic.

Literature cited by the submitters: PubMed 10888890 (cited by 3 submitters); PubMed 12370476 (cited by OMIM and GeneReviews); NCBI Bookshelf NBK1197 (cited by GeneReviews).